The following is an entry in ClinVar:

NM_013328.4(PYCR2):c.3G>A (p.Met1Ile)

Gene: PYCR2 (pyrroline-5-carboxylate reductase 2; minus strand). Cytogenetic location: 1q42.12.
Variant type: single nucleotide variant.
Coding change: c.3G>A on transcript NM_013328.4 (MANE Select); coding-DNA position 3, G replaced by A.
Protein change: p.Met1Ile; changes the start codon (methionine 1).
Molecular consequence: missense variant, initiator codon variant.
Genome position (GRCh38, 1-based): chr1:225,924,108, C>T on the plus strand (G>A on the coding strand, the complement: PYCR2 is on the minus strand). VCF-style: chr1-225924108-C-T. GRCh37 (hg19) VCF-style: chr1-226111808-C-T.
Other names: c.3G>A, p.Met1Ile (NM_001271681.2); short protein forms M1I.
Identifiers: ClinVar variation 2020262 (VCV002020262.5), dbSNP rs11543043, ClinGen allele CA38537390.
Genomic context (GRCh38, chr1:225,924,108, plus strand): 5'-GGCCGTGAAGCCCCGCGCCAGAGCATAGGCCAGCTGGCCGGCCCCGATGAAGCCCACGCT[C>T]ATGGTCCGCGGTTCACGCCTCCTGGGAGCCGCACGAACCCCCTCAGCGAGGGACCGGAAG-3'
Protein context (NP_037460.2, residues 1-11): [Met1Ile]SVGFIGAGQL

ClinVar aggregate classification (germline): Uncertain significance (1 of 4 stars; one submission).

Allele frequency attached by ClinVar (database versions not stated): gnomAD exomes below 0.00001.

Submission:

Labcorp Genetics (formerly Invitae), Labcorp
Classification: Uncertain significance. Last evaluated: 2022-07-29. Review status: criteria provided, single submitter. Criteria: Invitae Variant Classification Sherloc (09022015). Collection method: clinical testing. Allele origin: germline.
Comment: In summary, the available evidence is currently insufficient to determine the role of this variant in disease. Therefore, it has been classified as a Variant of Uncertain Significance. This sequence change affects the initiator methionine of the PYCR2 mRNA. The next in-frame methionine is located at codon 37. The frequency data for this variant in the population databases is considered unreliable, as metrics indicate poor data quality at this position in the gnomAD database. Disruption of the initiator codon has been observed in individual(s) with congenital malformations (PMID: 33144682). Experimental studies and prediction algorithms are not available or were not evaluated, and the functional significance of this variant is currently unknown.

Literature cited by the submitters: PubMed 33144682.